The following is an entry in ClinVar:

ClinVar aggregate classification (germline): Uncertain significance (1 of 4 stars; one submission).

Submission:

Labcorp Genetics (formerly Invitae), Labcorp
Classification: Uncertain significance. Last evaluated: 2024-05-22. Review status: criteria provided, single submitter. Criteria: Invitae Variant Classification Sherloc (09022015). Collection method: clinical testing. Allele origin: germline.
Comment: This sequence change replaces aspartic acid, which is acidic and polar, with glutamic acid, which is acidic and polar, at codon 655 of the NCSTN protein (p.Asp655Glu). This variant is not present in population databases (gnomAD no frequency). This variant has not been reported in the literature in individuals affected with NCSTN-related conditions. Advanced modeling of protein sequence and biophysical properties (such as structural, functional, and spatial information, amino acid conservation, physicochemical variation, residue mobility, and thermodynamic stability) performed at Invitae indicates that this missense variant is not expected to disrupt NCSTN protein function with a negative predictive value of 80%. In summary, the available evidence is currently insufficient to determine the role of this variant in disease. Therefore, it has been classified as a Variant of Uncertain Significance.

NM_015331.3(NCSTN):c.1965T>G (p.Asp655Glu)

Gene: NCSTN (nicastrin; plus strand). Cytogenetic location: 1q23.2.
Variant type: single nucleotide variant.
Coding change: c.1965T>G on transcript NM_015331.3 (MANE Select); coding-DNA position 1965, T replaced by G.
Protein change: p.Asp655Glu; replaces aspartic acid 655 with glutamic acid.
Molecular consequence: missense variant. On other transcripts: intron variant (1).
Genome position (GRCh38, 1-based): chr1:160,357,211, T>G. VCF-style: chr1-160357211-T-G. GRCh37 (hg19) VCF-style: chr1-160327001-T-G.
Other names: c.1905T>G, p.Asp635Glu (NM_001290184.2); c.1551T>G, p.Asp517Glu (NM_001290186.2); c.1794+457T>G (NM_001349729.2); short protein forms D655E, D517E, D635E.
Identifiers: ClinVar variation 3652543 (VCV003652543.2).